The following is an entry in ClinVar:

NM_025074.7(FRAS1):c.8440G>A (p.Ala2814Thr)

Gene: FRAS1 (Fraser extracellular matrix complex subunit 1; plus strand). Cytogenetic location: 4q21.21.
Variant type: single nucleotide variant.
Coding change: c.8440G>A on transcript NM_025074.7 (MANE Select); coding-DNA position 8440, G replaced by A.
Protein change: p.Ala2814Thr; replaces alanine 2814 with threonine.
Molecular consequence: missense variant.
Genome position (GRCh38, 1-based): chr4:78,479,715, G>A. VCF-style: chr4-78479715-G-A. GRCh37 (hg19) VCF-style: chr4-79400869-G-A.
Other names: short protein forms A2814T.
Identifiers: ClinVar variation 907472 (VCV000907472.7), dbSNP rs559602357, ClinGen allele CA2978358.

ClinVar aggregate classification (germline): Uncertain significance. Review status: criteria provided, multiple submitters, no conflicts (2 of 4 stars). 4 submissions from 4 submitters: Uncertain significance (3). 1 of the submissions does not count toward it. Last evaluated 2025-02-13.

Conditions:
FRAS1-related disorder. Also called: FRAS1-related condition.
Fraser syndrome 1 (FRASRS1). Also called: CRYPTOPHTHALMOS WITH OTHER MALFORMATIONS. Identifiers: Orphanet 2052, MedGen C4551480, MONDO:0054737, OMIM 219000.
Inborn genetic diseases. Identifiers: MedGen C0950123, MeSH D030342.

Allele frequency attached by ClinVar (database versions not stated): TOPMed 0.00002; gnomAD 0.00003 and 0.00009; gnomAD exomes 0.00012 and 0.00022; ExAC 0.00019.
gnomAD v4.1: 189 of 1,574,770 alleles (0.012%); highest among the groups gnomAD compares: South Asian, 0.2%; 2 homozygotes.

Submissions (4):

Ambry Genetics
Classification: Uncertain significance for Inborn genetic diseases. Last evaluated: 2025-02-13. Review status: criteria provided, single submitter. Criteria: Ambry Variant Classification Scheme 2023. Collection method: clinical testing. Allele origin: germline.

Blueprint Genetics
Classification: Uncertain significance. Last evaluated: 2024-04-09. Review status: criteria provided, single submitter. Criteria: ACMG Guidelines, 2015. Collection method: clinical testing. Allele origin: germline.

Illumina Laboratory Services, Illumina
Classification: Uncertain significance for Fraser syndrome 1. Last evaluated: 2018-01-12. Review status: criteria provided, single submitter. Criteria: ICSL Variant Classification Criteria 13 December 2019. Collection method: clinical testing. Allele origin: germline.

PreventionGenetics, part of Exact Sciences
Classification: Likely benign for FRAS1-related condition. Last evaluated: 2024-03-29. Review status: no assertion criteria provided. Collection method: clinical testing. Allele origin: germline. Not counted in ClinVar's aggregate classification.
Comment: This variant is classified as likely benign based on ACMG/AMP sequence variant interpretation guidelines (Richards et al. 2015 PMID: 25741868, with internal and published modifications).